The following is an entry in ClinVar:

ClinVar aggregate classification (germline): Uncertain significance (1 of 4 stars; one submission).

Conditions:
HYPERHOMOCYSTEINEMIA, THROMBOTIC, CBS-RELATED. Identifiers: MedGen C3150344, OMIM 236200.

Allele frequency attached by ClinVar (database versions not stated): ExAC 0.00001; ESP Exome Variant Server 0.00008.

Submission:

Labcorp Genetics (formerly Invitae), Labcorp
Classification: Uncertain significance for HYPERHOMOCYSTEINEMIA, THROMBOTIC, CBS-RELATED. Last evaluated: 2022-08-17. Review status: criteria provided, single submitter. Criteria: Invitae Variant Classification Sherloc (09022015). Collection method: clinical testing. Allele origin: germline.
Comment: This sequence change replaces glutamic acid, which is acidic and polar, with aspartic acid, which is acidic and polar, at codon 404 of the CBS protein (p.Glu404Asp). This variant is present in population databases (rs376942014, gnomAD 0.0009%). This variant has not been reported in the literature in individuals affected with CBS-related conditions. Algorithms developed to predict the effect of missense changes on protein structure and function (SIFT, PolyPhen-2, Align-GVGD) all suggest that this variant is likely to be tolerated. In summary, the available evidence is currently insufficient to determine the role of this variant in disease. Therefore, it has been classified as a Variant of Uncertain Significance.

NM_000071.3(CBS):c.1212G>C (p.Glu404Asp)

Gene: CBS (cystathionine beta-synthase; minus strand). Cytogenetic location: 21q22.3.
Variant type: single nucleotide variant.
Coding change: c.1212G>C on transcript NM_000071.3 (MANE Select); coding-DNA position 1212, G replaced by C.
Protein change: p.Glu404Asp; replaces glutamic acid 404 with aspartic acid.
Molecular consequence: missense variant.
Genome position (GRCh38, 1-based): chr21:43,059,237, C>G on the plus strand (G>C on the coding strand, the complement: CBS is on the minus strand). VCF-style: chr21-43059237-C-G. GRCh37 (hg19) VCF-style: chr21-44479347-C-G.
Other names: c.1212G>C, p.Glu404Asp (NM_001178008.3, NM_001178009.3, NM_001320298.2); c.897G>C, p.Glu299Asp (NM_001321072.1); short protein forms E404D, E299D.
Identifiers: ClinVar variation 2161082 (VCV002161082.1), dbSNP rs376942014, ClinGen allele CA321688560.
Genomic context (GRCh38, chr21:43,059,237, plus strand): 5'-ACTGGGCAGGGCCAGCACAGGCAGCGGGTCTCCGGCCGAGCGGTCTTACCAGGGCTTCTT[C>G]TCCGTGAGGTCCTCCTCCTTCAGAAAGCCCTTCTGCAGCATCCACCTGTCGCTCAGGAAC-3'
Protein context (NP_000062.1, residues 394-414): KGFLKEEDLT[Glu404Asp]KKPWWWHLRV